The following is an entry in ClinVar:

ClinVar aggregate classification (germline): Uncertain significance (1 of 4 stars; one submission).

Submission:

Ambry Genetics
Classification: Uncertain significance. Last evaluated: 2023-12-23. Review status: criteria provided, single submitter. Criteria: Ambry Variant Classification Scheme 2023. Collection method: clinical testing. Allele origin: germline.
Comment: The p.V323A variant (also known as c.968T>C), located in coding exon 11 of the PRKDC gene, results from a T to C substitution at nucleotide position 968. The valine at codon 323 is replaced by alanine, an amino acid with similar properties. This amino acid position is conserved. In addition, the in silico prediction for this alteration is inconclusive. Since supporting evidence is limited at this time, the clinical significance of this alteration remains unclear.

NM_006904.7(PRKDC):c.968T>C (p.Val323Ala)

Gene: PRKDC (protein kinase, DNA-activated, catalytic subunit; minus strand). Cytogenetic location: 8q11.21.
Variant type: single nucleotide variant.
Coding change: c.968T>C on transcript NM_006904.7 (MANE Select); coding-DNA position 968, T replaced by C.
Protein change: p.Val323Ala; replaces valine 323 with alanine.
Molecular consequence: missense variant.
Genome position (GRCh38, 1-based): chr8:47,939,696, A>G on the plus strand (T>C on the coding strand, the complement: PRKDC is on the minus strand). VCF-style: chr8-47939696-A-G. GRCh37 (hg19) VCF-style: chr8-48852256-A-G.
Other names: c.968T>C, p.Val323Ala (NM_001081640.2); short protein forms V323A.
Identifiers: ClinVar variation 3225946 (VCV003225946.1), dbSNP rs2551880167, ClinGen allele CA371166873.